The following is an entry in ClinVar:

NM_006306.4(SMC1A):c.587G>A (p.Arg196His)

Gene: SMC1A (structural maintenance of chromosomes 1A; minus strand). Cytogenetic location: Xp11.22.
Variant type: single nucleotide variant.
Coding change: c.587G>A on transcript NM_006306.4 (MANE Select); coding-DNA position 587, G replaced by A.
Protein change: p.Arg196His; replaces arginine 196 with histidine.
Molecular consequence: missense variant.
Genome position (GRCh38, 1-based): chrX:53,413,260, C>T on the plus strand (G>A on the coding strand, the complement: SMC1A is on the minus strand). VCF-style: chrX-53413260-C-T. GRCh37 (hg19) VCF-style: chrX-53440210-C-T.
Other names: c.521G>A, p.Arg174His (NM_001281463.1); short protein forms R174H, R196H.
Identifiers: ClinVar variation 532572 (VCV000532572.9), dbSNP rs1556890815, ClinGen allele CA413259183.
Genomic context (GRCh38, chrX:53,413,260, plus strand): 5'-CCTCAGAGCCAAGAGGTAGCTTGGCCACCTACCTCTTCTTTCTCCTGCTTTGCTTCCTTG[C>T]GTTCAGCCGCAATATTTTTCTTGCGATGGTAATTAAACTGTGTGTCCTCTTCAGCCTTCA-3'
Protein context (NP_006297.2, residues 186-206): YHRKKNIAAE[Arg196His]KEAKQEKEEA

ClinVar aggregate classification (germline): Pathogenic. Review status: criteria provided, multiple submitters, no conflicts (2 of 4 stars). 2 submissions from 2 submitters: Pathogenic (2). Last evaluated 2020-03-18.

Conditions:
SMC1A-related disorder. Also called: SMC1A-related condition.
Congenital muscular hypertrophy-cerebral syndrome (CDLS2). Also called: SMC1A-Related Cornelia de Lange Syndrome; Cornelia de Lange syndrome 2. Identifiers: Orphanet 199, MedGen C1802395, MONDO:0010370, OMIM 300590.

Submissions (2):

Blueprint Genetics
Classification: Pathogenic for SMC1A-related disorders. Last evaluated: 2020-03-18. Review status: criteria provided, single submitter. Criteria: ACMG Guidelines, 2015. Collection method: clinical testing. Allele origin: germline. Affected: yes. Observed: 1 variant allele.

Labcorp Genetics (formerly Invitae), Labcorp
Classification: Pathogenic for Congenital muscular hypertrophy-cerebral syndrome. Last evaluated: 2017-09-30. Review status: criteria provided, single submitter. Criteria: Invitae Variant Classification Sherloc (09022015). Collection method: clinical testing. Allele origin: germline.
Comment: In summary, this is a rare missense change that has been reported as de novo in several affected individuals, for these reasons, this variant has been classified as Pathogenic. Algorithms developed to predict the effect of missense changes on protein structure and function do not agree on the potential impact of this missense change (SIFT: "Tolerated"; PolyPhen-2: "Probably Damaging"; Align-GVGD: "Class C0"). This variant has been reported in several individuals affected with Cornelia de Lange syndrome (PMID: 19701948), and in at least 2 individuals this variant was reported to arise de novo (PMID: 17273969, 17221863). This variant is not present in population databases (ExAC no frequency). This sequence change replaces arginine with histidine at codon 196 of the SMC1A protein (p.Arg196His). The arginine residue is moderately conserved and there is a small physicochemical difference between arginine and histidine.

Literature cited by the submitters: PubMed 19701948 (cited by Labcorp Genetics (formerly Invitae), Labcorp); PubMed 17273969 (cited by Labcorp Genetics (formerly Invitae), Labcorp); PubMed 17221863 (cited by Labcorp Genetics (formerly Invitae), Labcorp).